The following is an entry in ClinVar:

NM_021116.4(ADCY1):c.1790G>A (p.Arg597Gln)

Gene: ADCY1 (adenylate cyclase 1; plus strand). Cytogenetic location: 7p12.3.
Variant type: single nucleotide variant.
Coding change: c.1790G>A on transcript NM_021116.4 (MANE Select); coding-DNA position 1790, G replaced by A.
Protein change: p.Arg597Gln; replaces arginine 597 with glutamine.
Molecular consequence: missense variant.
Genome position (GRCh38, 1-based): chr7:45,678,053, G>A. VCF-style: chr7-45678053-G-A. GRCh37 (hg19) VCF-style: chr7-45717652-G-A.
Other names: c.1790G>A (NM_021116.2); short protein forms R597Q.
Identifiers: ClinVar variation 3711485 (VCV003711485.3).

ClinVar aggregate classification (germline): Uncertain significance. Review status: criteria provided, multiple submitters, no conflicts (2 of 4 stars). 2 submissions from 2 submitters: Uncertain significance (2). Last evaluated 2025-11-13.

Conditions:
Inborn genetic diseases. Identifiers: MedGen C0950123, MeSH D030342.

gnomAD v4.1: 33 of 1,613,848 alleles (0.002%); highest among the groups gnomAD compares: Admixed American, 0.015%; no homozygotes.

Submissions (2):

Ambry Genetics
Classification: Uncertain significance for Inborn genetic diseases. Last evaluated: 2025-11-13. Review status: criteria provided, single submitter. Criteria: Ambry Variant Classification Scheme 2023. Collection method: clinical testing. Allele origin: germline.

Labcorp Genetics (formerly Invitae), Labcorp
Classification: Uncertain significance. Last evaluated: 2025-09-09. Review status: criteria provided, single submitter. Criteria: Invitae Variant Classification Sherloc (09022015). Collection method: clinical testing. Allele origin: germline.
Comment: This sequence change replaces arginine, which is basic and polar, with glutamine, which is neutral and polar, at codon 597 of the ADCY1 protein (p.Arg597Gln). This variant is present in population databases (rs370915655, gnomAD 0.01%). This variant has not been reported in the literature in individuals affected with ADCY1-related conditions. ClinVar contains an entry for this variant (Variation ID: 3711485). Invitae Evidence Modeling of protein sequence and biophysical properties (such as structural, functional, and spatial information, amino acid conservation, physicochemical variation, residue mobility, and thermodynamic stability) indicates that this missense variant is not expected to disrupt ADCY1 protein function with a negative predictive value of 80%. In summary, the available evidence is currently insufficient to determine the role of this variant in disease. Therefore, it has been classified as a Variant of Uncertain Significance.